The following is an entry in ClinVar:

NM_203475.3(PORCN):c.1291G>C (p.Gly431Arg)

Gene: PORCN (porcupine O-acyltransferase; plus strand). Cytogenetic location: Xp11.23.
Variant type: single nucleotide variant.
Coding change: c.1291G>C on transcript NM_203475.3 (MANE Select); coding-DNA position 1291, G replaced by C.
Protein change: p.Gly431Arg; replaces glycine 431 with arginine.
Molecular consequence: missense variant.
Genome position (GRCh38, 1-based): chrX:48,520,381, G>C. VCF-style: chrX-48520381-G-C. GRCh37 (hg19) VCF-style: chrX-48378769-G-C.
Other names: c.1045G>C, p.Gly349Arg (NM_001282167.2); c.1258G>C, p.Gly420Arg (NM_022825.4); c.1276G>C, p.Gly426Arg (NM_203473.3); c.1273G>C, p.Gly425Arg (NM_203474.1); short protein forms G426R, G431R, G420R, G349R, G425R.
Identifiers: ClinVar variation 427124 (VCV000427124.2), dbSNP rs782065862, ClinGen allele CA412849948.

ClinVar aggregate classification (germline): Likely pathogenic (1 of 4 stars; one submission).

Submission:

GeneDx
Classification: Likely pathogenic. Last evaluated: 2015-05-28. Review status: criteria provided, single submitter. Criteria: GeneDx Variant Classification (06012015). Collection method: clinical testing. Allele origin: germline. Affected: yes.
Comment: The G431R variant in the PORCN gene has not been published as a pathogenic variant, nor has it been reported as a benign polymorphism to our knowledge. The G431R variant was not observed in approximately 6500 individuals of European and African American ancestry in the NHLBI Exome Sequencing Project, indicating it is not a common benign variant in these populations. The G431Rvariant is a non-conservative amino acid substitution, which is likely to impact secondary protein structure as these residues differ in polarity, charge, size and/or other properties. This substitution occurs at a position that is conserved in mammals. In silico analysis is inconsistent in its predictions as to whether or not the variant is damaging to the protein structure/function. A missense variant in a nearby residue (W439R) has been reported in the Human Gene Mutation Database in association with focal dermal hypoplasia (Stenson et al., 2014), supporting the functional importance of this region of the protein. The G431R variant is a strong candidate for a disease-causing variant, however the possibility it may be a rare benign variant cannot be excluded.